The following is an entry in ClinVar:

ClinVar aggregate classification (germline): Uncertain significance (1 of 4 stars; one submission).

Submission:

Labcorp Genetics (formerly Invitae), Labcorp
Classification: Uncertain significance. Last evaluated: 2022-05-30. Review status: criteria provided, single submitter. Criteria: Invitae Variant Classification Sherloc (09022015). Collection method: clinical testing. Allele origin: germline.
Comment: In summary, the available evidence is currently insufficient to determine the role of this variant in disease. Therefore, it has been classified as a Variant of Uncertain Significance. This sequence change replaces proline, which is neutral and non-polar, with serine, which is neutral and polar, at codon 643 of the RAB3GAP1 protein (p.Pro643Ser). This variant is not present in population databases (gnomAD no frequency). This variant has not been reported in the literature in individuals affected with RAB3GAP1-related conditions. Algorithms developed to predict the effect of missense changes on protein structure and function are either unavailable or do not agree on the potential impact of this missense change (SIFT: "Tolerated"; PolyPhen-2: "Probably Damaging"; Align-GVGD: "Class C25").

NM_012233.3(RAB3GAP1):c.1927C>T (p.Pro643Ser)

Gene: RAB3GAP1 (RAB3 GTPase activating protein catalytic subunit 1; plus strand). Cytogenetic location: 2q21.3.
Variant type: single nucleotide variant.
Coding change: c.1927C>T on transcript NM_012233.3 (MANE Select); coding-DNA position 1927, C replaced by T.
Protein change: p.Pro643Ser; replaces proline 643 with serine.
Molecular consequence: missense variant.
Genome position (GRCh38, 1-based): chr2:135,150,372, C>T. VCF-style: chr2-135150372-C-T. GRCh37 (hg19) VCF-style: chr2-135907942-C-T.
Other names: c.1927C>T, p.Pro643Ser (NM_001172435.2); short protein forms P643S.
Identifiers: ClinVar variation 2116197 (VCV002116197.4), dbSNP rs2468255636, ClinGen allele CA348581077.